The following is an entry in ClinVar:

NM_002303.6(LEPR):c.632T>C (p.Met211Thr)

Gene: LEPR (leptin receptor; plus strand). Cytogenetic location: 1p31.3.
Variant type: single nucleotide variant.
Coding change: c.632T>C on transcript NM_002303.6 (MANE Select); coding-DNA position 632, T replaced by C.
Protein change: p.Met211Thr; replaces methionine 211 with threonine.
Molecular consequence: missense variant.
Genome position (GRCh38, 1-based): chr1:65,592,794, T>C. VCF-style: chr1-65592794-T-C. GRCh37 (hg19) VCF-style: chr1-66058477-T-C.
Other names: c.632T>C, p.Met211Thr (NM_001003679.3, NM_001003680.3, NM_001198687.2 and 2 more transcripts); short protein forms M211T.
Identifiers: ClinVar variation 4982609 (VCV004982609.1).

ClinVar aggregate classification (germline): Uncertain significance (1 of 4 stars; one submission).

Conditions:
LEPR-related disorder. Also called: LEPR-related condition; LEPR-related disorders.

gnomAD v4.1: 2 of 1,613,406 alleles (0.00012%); highest among the groups gnomAD compares: South Asian, 0.0011%; no homozygotes.

Submission:

PreventionGenetics, part of Exact Sciences
Classification: Uncertain significance for LEPR-related condition. Last evaluated: 2026-09-25. Review status: criteria provided, single submitter. Criteria: ACMG Guidelines, 2015. Collection method: clinical testing. Allele origin: germline.
Comment: The LEPR c.632T>C variant is predicted to result in the amino acid substitution p.Met211Thr. This variant was observed in a cohort of individuals with obesity, and in vitro functional studies showed function similar to wild-type levels (Supplemental Data Set, Shah et al. 2023. PubMed ID: 36864747). This variant is reported in 0.0033% of alleles in individuals of South Asian descent in gnomAD. At this time, the clinical significance of this variant is uncertain due to the absence of conclusive functional and genetic evidence.